The following is an entry in ClinVar:

NM_001258392.3(CLPB):c.1680+6A>C

Gene: CLPB (ClpB family mitochondrial disaggregase; minus strand). Cytogenetic location: 11q13.4.
Variant type: single nucleotide variant.
Coding change: c.1680+6A>C on transcript NM_001258392.3 (MANE Select); 6 bases into the intron after coding-DNA position 1680, A replaced by C.
Molecular consequence: intron variant.
Genome position (GRCh38, 1-based): chr11:72,294,319, T>G on the plus strand (A>C on the coding strand, the complement: CLPB is on the minus strand). VCF-style: chr11-72294319-T-G. GRCh37 (hg19) VCF-style: chr11-72005363-T-G.
Other names: c.1593+6A>C (NM_001258393.3); c.1770+6A>C (NM_030813.6); c.1635+6A>C (NM_001258394.3).
Identifiers: ClinVar variation 960556 (VCV000960556.8), dbSNP rs1949509457, ClinGen allele CA1139662087.

ClinVar aggregate classification (germline): Uncertain significance (1 of 4 stars; one submission).

Conditions:
3-methylglutaconic aciduria, type VIIB (MGCA7B). Also called: CLPB Deficiency; 3-methylglutaconic aciduria, type VII, with cataracts, neurologic involvement and neutropenia; 3-methylglutaconic aciduria with cataracts, neurologic involvement and neutropenia. Identifiers: Orphanet 445038, MedGen C5676893, MONDO:0014561, OMIM 616271.

Allele frequency attached by ClinVar (database versions not stated): gnomAD exomes below 0.00001.
gnomAD v4.1: 1 of 1,614,150 alleles (0.000062%); highest among the groups gnomAD compares: Non-Finnish European, 0.000085%; no homozygotes.

Submission:

Labcorp Genetics (formerly Invitae), Labcorp
Classification: Uncertain significance for 3-methylglutaconic aciduria, type VIIB. Last evaluated: 2024-03-05. Review status: criteria provided, single submitter. Criteria: Invitae Variant Classification Sherloc (09022015). Collection method: clinical testing. Allele origin: germline.
Comment: This sequence change falls in intron 15 of the CLPB gene. It does not directly change the encoded amino acid sequence of the CLPB protein. It affects a nucleotide within the consensus splice site. This variant is not present in population databases (gnomAD no frequency). This variant has not been reported in the literature in individuals affected with CLPB-related conditions. ClinVar contains an entry for this variant (Variation ID: 960556). Variants that disrupt the consensus splice site are a relatively common cause of aberrant splicing (PMID: 17576681, 9536098). Algorithms developed to predict the effect of sequence changes on RNA splicing suggest that this variant is not likely to affect RNA splicing. In summary, the available evidence is currently insufficient to determine the role of this variant in disease. Therefore, it has been classified as a Variant of Uncertain Significance.

Literature cited by the submitters: PubMed 17576681; PubMed 9536098.